The following is an entry in ClinVar:

NM_004260.4(RECQL4):c.2200+7C>T

Gene: RECQL4 (RecQ like helicase 4; minus strand). Cytogenetic location: 8q24.3.
Variant type: single nucleotide variant.
Coding change: c.2200+7C>T on transcript NM_004260.4 (MANE Select); 7 bases into the intron after coding-DNA position 2200, C replaced by T.
Molecular consequence: intron variant.
Genome position (GRCh38, 1-based): chr8:144,513,564, G>A on the plus strand (C>T on the coding strand, the complement: RECQL4 is on the minus strand). VCF-style: chr8-144513564-G-A. GRCh37 (hg19) VCF-style: chr8-145738948-G-A.
Identifiers: ClinVar variation 1429799 (VCV001429799.6), dbSNP rs2130682268, ClinGen allele CA2573143079.

ClinVar aggregate classification (germline): Uncertain significance (1 of 4 stars; one submission).

Conditions:
Baller-Gerold syndrome (BGS). Also called: CRANIOSYNOSTOSIS WITH RADIAL DEFECTS. Identifiers: Orphanet 1225, MedGen C0265308, MONDO:0009039, OMIM 218600.

Submission:

Labcorp Genetics (formerly Invitae), Labcorp
Classification: Uncertain significance for Baller-Gerold syndrome. Last evaluated: 2022-12-24. Review status: criteria provided, single submitter. Criteria: Invitae Variant Classification Sherloc (09022015). Collection method: clinical testing. Allele origin: germline.
Comment: ClinVar contains an entry for this variant (Variation ID: 1429799). This sequence change falls in intron 13 of the RECQL4 gene. It does not directly change the encoded amino acid sequence of the RECQL4 protein. This variant is not present in population databases (gnomAD no frequency). This variant has not been reported in the literature in individuals affected with RECQL4-related conditions. Algorithms developed to predict the effect of sequence changes on RNA splicing suggest that this variant may create or strengthen a splice site. In summary, the available evidence is currently insufficient to determine the role of this variant in disease. Therefore, it has been classified as a Variant of Uncertain Significance.